The following is an entry in ClinVar:

ClinVar aggregate classification (germline): Uncertain significance (1 of 4 stars; one submission).

Conditions:
Neuropathy, hereditary sensory, type 1D. Identifiers: Orphanet 36386, MedGen C3150972, MONDO:0013381, OMIM 613708.

Submission:

Victorian Clinical Genetics Services, Murdoch Childrens Research Institute
Classification: Uncertain significance for Neuropathy, hereditary sensory, type 1D. Last evaluated: 2026-04-07. Review status: criteria provided, single submitter. Criteria: ACMG Guidelines, 2015. Collection method: clinical testing. Allele origin: germline. Affected: yes.
Comment: This variant is classified as VUS-3B. Evidence in support of pathogenic classification: Variant is absent from gnomAD (v2, v3 and v4). Evidence in support of benign classification: Missense variant predicted to be tolerated by in silico tool(s) or not conserved in placental mammals with a minor amino acid change. Additional information: Variant is predicted to result in a missense amino acid change from Lys to Glu; This variant is heterozygous; This gene is associated with autosomal dominant disease. However, rare examples of individuals with biallelic variants in this gene have also been reported (PMID: 24473461, PMID: 26888483); Alternative amino acid change(s) at the same position are present in gnomAD (highest allele count: v4: 1 heterozygote(s), 0 homozygote(s)); This variant has no previous evidence of pathogenicity; No published evidence of segregation with disease has been identified for this variant; No published functional evidence has been identified for this variant; Another missense variant comparable to the one identified in this case has inconclusive previous evidence for pathogenicity. The p.(Lys319Gln) variant has been classified as a VUS by a clinical laboratory in ClinVar; Variant is not located in an established domain, motif, hotspot or informative constraint region; Dominant negative (DN) and loss of function (LoF) are known mechanisms of disease in this gene. Missense variants with a DN mechanism are associated with spastic paraplegia 3A (MIM#182600), and hereditary sensory neuropathy, type ID (MIM#613708) (PMID: 16537571). LoF is a disease mechanism associated with recessive hereditary spastic paraplegia (HSP; PMIDs: 24473461, 26888483). LoF is also suggested as a disease mechanism for hereditary sensory neuropathy, type ID (PMID: 21194679); The condition associated with this gene has incomplete penetrance. Reduced penetrance was previously reported in approximately 10% of HSP families (PMID: 28396731); Variants in this gene are known to have variable expressivity. Highly variable severity has been reported for spastic paraplegia 3A (MIM#182600) (OMIM). - Inheritance information for this variant is not currently available in this individual.

Literature cited by the submitters: PubMed 24473461; PubMed 16537571; PubMed 28396731; PubMed 26888483; PubMed 21194679.

NM_015915.5(ATL1):c.955A>G (p.Lys319Glu)

Gene: ATL1 (atlastin GTPase 1; plus strand). Cytogenetic location: 14q22.1.
Variant type: single nucleotide variant.
Coding change: c.955A>G on transcript NM_015915.5 (MANE Select); coding-DNA position 955, A replaced by G.
Protein change: p.Lys319Glu; replaces lysine 319 with glutamic acid.
Molecular consequence: missense variant.
Genome position (GRCh38, 1-based): chr14:50,620,691, A>G. VCF-style: chr14-50620691-A-G. GRCh37 (hg19) VCF-style: chr14-51087409-A-G.
Other names: c.955A>G, p.Lys319Glu (NM_001127713.1, NM_181598.4); short protein forms K319E.
Identifiers: ClinVar variation 4879586 (VCV004879586.1).